The following is an entry in ClinVar:

NM_022089.4(ATP13A2):c.2525C>G (p.Pro842Arg)

Gene: ATP13A2 (ATPase cation transporting 13A2; minus strand). Cytogenetic location: 1p36.13.
Variant type: single nucleotide variant.
Coding change: c.2525C>G on transcript NM_022089.4 (MANE Select); coding-DNA position 2525, C replaced by G.
Protein change: p.Pro842Arg; replaces proline 842 with arginine.
Molecular consequence: missense variant. On other transcripts: intron variant (1).
Genome position (GRCh38, 1-based): chr1:16,989,891, G>C on the plus strand (C>G on the coding strand, the complement: ATP13A2 is on the minus strand). VCF-style: chr1-16989891-G-C. GRCh37 (hg19) VCF-style: chr1-17316386-G-C.
Other names: c.2510C>G, p.Pro837Arg (NM_001141973.3); c.2398-121C>G (NM_001141974.3); short protein forms P842R, P837R.
Identifiers: ClinVar variation 1031328 (VCV001031328.3), dbSNP rs917176878, ClinGen allele CA18629068.

ClinVar aggregate classification (germline): Uncertain significance. Review status: criteria provided, multiple submitters, no conflicts (2 of 4 stars). 2 submissions from 2 submitters: Uncertain significance (2). Last evaluated 2022-07-11.

Conditions:
Kufor-Rakeb syndrome (KRS). Also called: PARKINSON DISEASE 9, AUTOSOMAL RECESSIVE, JUVENILE-ONSET. Identifiers: Orphanet 306674, Orphanet 314632, MedGen C1847640, MONDO:0011706, OMIM 606693.
Autosomal recessive spastic paraplegia type 78. Identifiers: Orphanet 513436, MedGen C5567893, MONDO:0014975, OMIM 617225.

Allele frequency attached by ClinVar (database versions not stated): gnomAD 0.00001; gnomAD exomes 0.00001 and 0.00003; TOPMed 0.00003.
gnomAD v4.1: 21 of 1,605,208 alleles (0.0013%); highest among the groups gnomAD compares: Admixed American, 0.019%; no homozygotes.

Submissions (2):

Labcorp Genetics (formerly Invitae), Labcorp
Classification: Uncertain significance for Kufor-Rakeb syndrome; Autosomal recessive spastic paraplegia type 78. Last evaluated: 2022-07-11. Review status: criteria provided, single submitter. Criteria: Invitae Variant Classification Sherloc (09022015). Collection method: clinical testing. Allele origin: germline.
Comment: This sequence change replaces proline, which is neutral and non-polar, with arginine, which is basic and polar, at codon 842 of the ATP13A2 protein (p.Pro842Arg). This variant is present in population databases (no rsID available, gnomAD 0.01%). This missense change has been observed in individual(s) with Parkinson's disease (PMID: 27294386). ClinVar contains an entry for this variant (Variation ID: 1031328). Algorithms developed to predict the effect of missense changes on protein structure and function are either unavailable or do not agree on the potential impact of this missense change (SIFT: "Tolerated"; PolyPhen-2: "Probably Damaging"; Align-GVGD: "Class C0"). In summary, the available evidence is currently insufficient to determine the role of this variant in disease. Therefore, it has been classified as a Variant of Uncertain Significance.

Baylor Genetics
Classification: Uncertain significance for Kufor-Rakeb syndrome. Last evaluated: 2018-01-29. Review status: criteria provided, single submitter. Criteria: ACMG Guidelines, 2015. Collection method: clinical testing. Allele origin: maternal. Affected: yes.
Comment: This variant was determined to be of uncertain significance according to ACMG Guidelines, 2015 [PMID:25741868].

Literature cited by the submitters: PubMed 27294386 (cited by Labcorp Genetics (formerly Invitae), Labcorp).